The following is an entry in ClinVar:

NM_014865.4(NCAPD2):c.2508del (p.Phe837fs)

Gene: NCAPD2 (non-SMC condensin I complex subunit D2; plus strand). Cytogenetic location: 12p13.31.
Variant type: Deletion.
Coding change: c.2508del on transcript NM_014865.4 (MANE Select); coding-DNA position 2508, one base deleted (C; older notation c.2508delC).
Protein change: p.Phe837fs; shifts the reading frame from phenylalanine 837.
Molecular consequence: frameshift variant.
Genome position (GRCh38, 1-based): chr12:6,526,313, C deleted; the last of 7 consecutive C bases (chr12:6,526,307-6,526,313); deleting any one gives the same sequence. VCF-style (leftmost placement, unchanged base first): chr12-6526306-AC-A. GRCh37 (hg19) VCF-style: chr12-6635472-AC-A.
Other names: c.2508delC (NM_014865.4); short protein forms F837fs.
Identifiers: ClinVar variation 1339659 (VCV001339659.3), dbSNP rs772347389, ClinGen allele CA6408767.

ClinVar aggregate classification (germline): Pathogenic/Likely pathogenic. Review status: criteria provided, multiple submitters, no conflicts (2 of 4 stars). 2 submissions from 2 submitters: Pathogenic (1); Likely pathogenic (1). Last evaluated 2026-06-05.

Conditions:
Microcephaly 21, primary, autosomal recessive. Identifiers: MedGen C4693831, MONDO:0054804, OMIM 617983.

Submissions (2):

Women's Health and Genetics/Laboratory Corporation of America, LabCorp
Classification: Pathogenic for Microcephaly 21, primary, autosomal recessive. Last evaluated: 2026-06-05. Review status: criteria provided, single submitter. Criteria: LabCorp Variant Classification Summary - May 2015. Collection method: clinical testing. Allele origin: germline.
Comment: Variant summary: NCAPD2 c.2508delC (p.Phe837SerfsX36) results in a premature termination codon, predicted to cause a truncation of the encoded protein or absence of the protein due to nonsense mediated decay, which are commonly known mechanisms for disease. Loss-of-function variants in this gene are known to be pathogenic. The variant allele was found at a frequency of 4e-06 in 251426 control chromosomes. To our knowledge, no occurrence of c.2508delC in individuals affected with NCAPD2-related conditions and no experimental evidence demonstrating its impact on protein function have been reported. ClinVar contains an entry for this variant (Variation ID: 1339659). Based on the evidence outlined above, the variant was classified as pathogenic.

Neuberg Centre For Genomic Medicine, NCGM
Classification: Likely pathogenic for Microcephaly 21, primary, autosomal recessive. Review status: criteria provided, single submitter. Criteria: ACMG Guidelines, 2015. Collection method: clinical testing. Allele origin: germline. Inheritance: Autosomal recessive inheritance. Affected: yes.